The following is an entry in ClinVar:

NM_181486.4(TBX5):c.1078C>T (p.Gln360Ter)

Gene: TBX5 (T-box transcription factor 5; minus strand). Cytogenetic location: 12q24.21.
Variant type: single nucleotide variant.
Coding change: c.1078C>T on transcript NM_181486.4 (MANE Select); coding-DNA position 1078, C replaced by T.
Protein change: p.Gln360Ter; replaces glutamine 360 with a stop codon.
Molecular consequence: nonsense.
Genome position (GRCh38, 1-based): chr12:114,356,011, G>A on the plus strand (C>T on the coding strand, the complement: TBX5 is on the minus strand). VCF-style: chr12-114356011-G-A. GRCh37 (hg19) VCF-style: chr12-114793816-G-A.
Other names: c.1078C>T, p.Gln360Ter (NM_000192.3); c.928C>T, p.Gln310Ter (NM_080717.4); short protein forms Q360*, Q310*.
Identifiers: ClinVar variation 419717 (VCV000419717.3), dbSNP rs1064794062, ClinGen allele CA16619436.

ClinVar aggregate classification (germline): Pathogenic. Review status: criteria provided, multiple submitters, no conflicts (2 of 4 stars). 2 submissions from 2 submitters: Pathogenic (2). Last evaluated 2025-12-29.

Conditions:
TBX5-related disorder. Also called: TBX5-related condition.

Submissions (2):

PreventionGenetics, part of Exact Sciences
Classification: Pathogenic for TBX5-related condition. Last evaluated: 2025-12-29. Review status: criteria provided, single submitter. Criteria: ACMG Guidelines, 2015. Collection method: clinical testing. Allele origin: germline.
Comment: The TBX5 c.1078C>T variant is predicted to result in premature protein termination (p.Gln360*). To our knowledge, this variant has not been reported in the literature. This variant has been detected as de novo in multiple cases (PreventionGenetics internal data). This variant is absent in a large population database (gnomAD), indicating this variant is rare. Nonsense variants in TBX5 are an established mechanism of disease. This variant is interpreted as pathogenic.

GeneDx
Classification: Pathogenic. Last evaluated: 2015-08-31. Review status: criteria provided, single submitter. Criteria: GeneDx Variant Classification (06012015). Collection method: clinical testing. Allele origin: germline. Affected: yes.
Comment: The Q360X pathogenic variant in the TBX5 gene is predicted to cause loss of normal protein function through protein truncation, as the last 159 amino acids are lost. Although this variant has not been reported previously to our knowledge, we interpret it as pathogenic.